The following is an entry in ClinVar:

ClinVar aggregate classification (germline): Uncertain significance (1 of 4 stars; one submission).

Conditions:
Idiopathic Pulmonary Fibrosis. Also called: Idiopathic fibrosing alveolitis, chronic form; idiopathic fibrosing alveolitis. Identifiers: Orphanet 2032, MedGen C1800706, MeSH D054990, MONDO:0800504.
Dyskeratosis congenita, autosomal dominant 2. Identifiers: MedGen C3151443, MONDO:0013521, OMIM 613989.

Submission:

Labcorp Genetics (formerly Invitae), Labcorp
Classification: Uncertain significance for Dyskeratosis congenita, autosomal dominant 2; Idiopathic Pulmonary Fibrosis. Last evaluated: 2023-10-06. Review status: criteria provided, single submitter. Criteria: Invitae Variant Classification Sherloc (09022015). Collection method: clinical testing. Allele origin: germline.
Comment: This sequence change replaces arginine, which is basic and polar, with leucine, which is neutral and non-polar, at codon 811 of the TERT protein (p.Arg811Leu). This variant is not present in population databases (gnomAD no frequency). This variant has not been reported in the literature in individuals affected with TERT-related conditions. Advanced modeling of protein sequence and biophysical properties (such as structural, functional, and spatial information, amino acid conservation, physicochemical variation, residue mobility, and thermodynamic stability) has been performed at Invitae for this missense variant, however the output from this modeling did not meet the statistical confidence thresholds required to predict the impact of this variant on TERT protein function. In summary, the available evidence is currently insufficient to determine the role of this variant in disease. Therefore, it has been classified as a Variant of Uncertain Significance.

NM_198253.3(TERT):c.2432G>T (p.Arg811Leu)

Gene: TERT (telomerase reverse transcriptase; minus strand). Cytogenetic location: 5p15.33.
Variant type: single nucleotide variant.
Coding change: c.2432G>T on transcript NM_198253.3 (MANE Select); coding-DNA position 2432, G replaced by T.
Protein change: p.Arg811Leu; replaces arginine 811 with leucine.
Molecular consequence: missense variant.
Genome position (GRCh38, 1-based): chr5:1,271,155, C>A on the plus strand (G>T on the coding strand, the complement: TERT is on the minus strand). VCF-style: chr5-1271155-C-A. GRCh37 (hg19) VCF-style: chr5-1271270-C-A.
Other names: c.2432G>T, p.Arg811Leu (NM_001193376.3, NM_003219.1); short protein forms R811L.
Identifiers: ClinVar variation 2926955 (VCV002926955.3), dbSNP rs552708120, ClinGen allele CA359075730.